The following is an entry in ClinVar:

NM_013382.7(POMT2):c.*1137G>A

Gene: POMT2 (protein O-mannosyltransferase 2; minus strand). Cytogenetic location: 14q24.3.
Variant type: single nucleotide variant.
Coding change: c.*1137G>A on transcript NM_013382.7 (MANE Select); 1137 bases downstream of the stop codon, G replaced by A.
Molecular consequence: 3 prime UTR variant.
Genome position (GRCh38, 1-based): chr14:77,276,239, C>T on the plus strand (G>A on the coding strand, the complement: POMT2 is on the minus strand). VCF-style: chr14-77276239-C-T. GRCh37 (hg19) VCF-style: chr14-77742582-C-T.
Identifiers: ClinVar variation 314531 (VCV000314531.6), dbSNP rs7158951, ClinGen allele CA10635392.

ClinVar aggregate classification (germline): Benign. Review status: criteria provided, multiple submitters, no conflicts (2 of 4 stars). 2 submissions from 2 submitters: Benign (2). Last evaluated 2018-01-13.

Conditions:
Autosomal recessive limb-girdle muscular dystrophy type 2N. Also called: MUSCULAR DYSTROPHY-DYSTROGLYCANOPATHY, LIMB-GIRDLE, POMT2-RELATED; Muscular dystrophy-dystroglycanopathy (limb-girdle), type C, 2. Identifiers: Orphanet 206559, MedGen C3150418, MONDO:0013162, OMIM 613158.

Allele frequency attached by ClinVar (database versions not stated): 1000 Genomes Project 30x 0.51171; TOPMed 0.54103; gnomAD 0.55690 and 0.56341; gnomAD exomes 0.64929; 1000 Genomes Project 0.51158.
gnomAD v4.1: 84,847 of 152,348 alleles (56%); highest among the groups gnomAD compares: African/African-American, 60%; 24,084 homozygotes.

Submissions (2):

Illumina Laboratory Services, Illumina
Classification: Benign for Autosomal recessive limb-girdle muscular dystrophy type 2N. Last evaluated: 2018-01-13. Review status: criteria provided, single submitter. Criteria: ICSL Variant Classification Criteria 13 December 2019. Collection method: clinical testing. Allele origin: germline.
Comment: This variant was observed in the ICSL laboratory as part of a predisposition screen in an ostensibly healthy population. It had not been previously curated by ICSL or reported in the Human Gene Mutation Database (HGMD: prior to June 1st, 2018), and was therefore a candidate for classification through an automated scoring system. Utilizing variant allele frequency, disease prevalence and penetrance estimates, and inheritance mode, an automated score was calculated to assess if this variant is too frequent to cause the disease. Based on the score and internal cut-off values, a variant classified as benign is not then subjected to further curation. The score for this variant resulted in a classification of benign for this disease.

Breakthrough Genomics
Classification: Benign. Review status: criteria provided, single submitter. Criteria: ACMG Guidelines, 2015. Collection method: not provided. Allele origin: germline. Inheritance: Autosomal recessive inheritance. Affected: yes.